The following is an entry in ClinVar:

NM_003193.5(TBCE):c.1220T>C (p.Leu407Pro)

Gene: TBCE (tubulin folding cofactor E; plus strand). Cytogenetic location: 1q42.3.
Variant type: single nucleotide variant.
Coding change: c.1220T>C on transcript NM_003193.5 (MANE Select); coding-DNA position 1220, T replaced by C.
Protein change: p.Leu407Pro; replaces leucine 407 with proline.
Molecular consequence: missense variant.
Genome position (GRCh38, 1-based): chr1:235,438,872, T>C. VCF-style: chr1-235438872-T-C. GRCh37 (hg19) VCF-style: chr1-235602187-T-C.
Other names: c.1220T>C, p.Leu407Pro (NM_001079515.3); c.1373T>C, p.Leu458Pro (NM_001287801.2); c.881T>C, p.Leu294Pro (NM_001287802.2); short protein forms L294P, L407P, L458P.
Identifiers: ClinVar variation 1440116 (VCV001440116.2), dbSNP rs373712859, ClinGen allele CA1464381.

ClinVar aggregate classification (germline): Uncertain significance (1 of 4 stars; one submission).

Allele frequency attached by ClinVar (database versions not stated): gnomAD exomes below 0.00001; ExAC 0.00001; gnomAD 0.00001; TOPMed 0.00001; ESP Exome Variant Server 0.00008.
gnomAD v4.1: 2 of 1,613,974 alleles (0.00012%); highest among the groups gnomAD compares: African/African-American, 0.0013%; no homozygotes.

Submission:

Labcorp Genetics (formerly Invitae), Labcorp
Classification: Uncertain significance. Last evaluated: 2025-10-22. Review status: criteria provided, single submitter. Criteria: Invitae Variant Classification Sherloc (09022015). Collection method: clinical testing. Allele origin: germline.
Comment: This sequence change replaces leucine, which is neutral and non-polar, with proline, which is neutral and non-polar, at codon 407 of the TBCE protein (p.Leu407Pro). This variant is present in population databases (rs373712859, gnomAD 0.0009%). This variant has not been reported in the literature in individuals affected with TBCE-related conditions. ClinVar contains an entry for this variant (Variation ID: 1440116). An algorithm developed to predict the effect of missense changes on protein structure and function outputs the following: PolyPhen-2: "Benign". The proline amino acid residue is found in multiple mammalian species, which suggests that this missense change does not adversely affect protein function. In summary, the available evidence is currently insufficient to determine the role of this variant in disease. Therefore, it has been classified as a Variant of Uncertain Significance.